The following is an entry in ClinVar:

NM_003793.4(CTSF):c.1444G>A (p.Val482Met)

Gene: CTSF (cathepsin F; minus strand). Cytogenetic location: 11q13.2.
Variant type: single nucleotide variant.
Coding change: c.1444G>A on transcript NM_003793.4 (MANE Select); coding-DNA position 1444, G replaced by A.
Protein change: p.Val482Met; replaces valine 482 with methionine.
Molecular consequence: missense variant.
Genome position (GRCh38, 1-based): chr11:66,563,944, C>T on the plus strand (G>A on the coding strand, the complement: CTSF is on the minus strand). VCF-style: chr11-66563944-C-T. GRCh37 (hg19) VCF-style: chr11-66331415-C-T.
Other names: short protein forms V482M.
Identifiers: ClinVar variation 1703290 (VCV001703290.2), dbSNP rs2495269420, ClinGen allele CA381455221.

ClinVar aggregate classification (germline): Uncertain significance (1 of 4 stars; one submission).

Allele frequency attached by ClinVar (database versions not stated): gnomAD exomes below 0.00001.

Submission:

GeneDx
Classification: Uncertain significance. Last evaluated: 2022-02-24. Review status: criteria provided, single submitter. Criteria: GeneDx Variant Classification Process June 2021. Collection method: clinical testing. Allele origin: germline. Affected: yes.
Comment: Not observed at significant frequency in large population cohorts (gnomAD); In silico analysis supports that this missense variant does not alter protein structure/function; Has not been previously published as pathogenic or benign to our knowledge